The following is an entry in ClinVar:

ClinVar aggregate classification (germline): Likely benign. Review status: criteria provided, multiple submitters, no conflicts (2 of 4 stars). 2 submissions from 2 submitters: Likely benign (2). Last evaluated 2025-08-21.

Conditions:
Familial temporal lobe epilepsy 7. Identifiers: Orphanet 101046, MedGen C4225327, MONDO:0014639, OMIM 616436.
Norman-Roberts syndrome (LIS2). Also called: Lissencephaly 2 (Norman-Roberts type). Identifiers: Orphanet 89844, MedGen C0796089, MONDO:0009760, OMIM 257320.

Allele frequency attached by ClinVar (database versions not stated): 1000 Genomes Project 0.00040; gnomAD exomes 0.00001 and 0.00002; ExAC 0.00003; gnomAD 0.00004 and 0.00005; TOPMed 0.00004; 1000 Genomes Project 30x 0.00031.
gnomAD v4.1: 15 of 1,614,044 alleles (0.00093%); highest among the groups gnomAD compares: African/African-American, 0.008%; no homozygotes.

Submissions (2):

Labcorp Genetics (formerly Invitae), Labcorp
Classification: Likely benign for Familial temporal lobe epilepsy 7; Norman-Roberts syndrome. Last evaluated: 2025-08-21. Review status: criteria provided, single submitter. Criteria: Invitae Variant Classification Sherloc (09022015). Collection method: clinical testing. Allele origin: germline.

GeneDx
Classification: Likely benign. Last evaluated: 2018-02-28. Review status: criteria provided, single submitter. Criteria: GeneDx Variant Classification (06012015). Collection method: clinical testing. Allele origin: germline. Affected: yes.
Comment: This variant is considered likely benign or benign based on one or more of the following criteria: it is a conservative change, it occurs at a poorly conserved position in the protein, it is predicted to be benign by multiple in silico algorithms, and/or has population frequency not consistent with disease.

NM_005045.4(RELN):c.8119+16C>T

Gene: RELN (reelin; minus strand). Cytogenetic location: 7q22.1.
Variant type: single nucleotide variant.
Coding change: c.8119+16C>T on transcript NM_005045.4 (MANE Select); 16 bases into the intron after coding-DNA position 8119, C replaced by T.
Molecular consequence: intron variant.
Genome position (GRCh38, 1-based): chr7:103,515,169, G>A on the plus strand (C>T on the coding strand, the complement: RELN is on the minus strand). VCF-style: chr7-103515169-G-A. GRCh37 (hg19) VCF-style: chr7-103155616-G-A.
Other names: c.8119+16C>T (NM_173054.3).
Identifiers: ClinVar variation 515872 (VCV000515872.9), dbSNP rs572656670, ClinGen allele CA4420558.
Genomic context (GRCh38, chr7:103,515,169, plus strand): 5'-TGCTCTTTTGAAAAGACCCAAATCCAAACCACTGCATTTCCACTGGGCTTTTTATTTAGC[G>A]CTGTGCATAATTTACCTGAAGTTTTGTCTTCCATAAACATGTCAAAGGCGATCCTCCCGA-3'